The following is an entry in ClinVar:

ClinVar aggregate classification (germline): Conflicting classifications of pathogenicity. Review status: criteria provided, conflicting classifications (1 of 4 stars). 7 submissions from 7 submitters: Uncertain significance (3); Benign (1); Likely benign (2). 1 of the submissions does not count toward it. Last evaluated 2025-10-12.

Conditions:
Inborn genetic diseases. Identifiers: MedGen C0950123, MeSH D030342.
Giant axonal neuropathy 1 (GAN1). Also called: GIANT AXONAL NEUROPATHY 1, AUTOSOMAL RECESSIVE; GAN-Related Neurodegeneration. Identifiers: Orphanet 643, MedGen C1850386, MONDO:0009749, OMIM 256850.
GAN-related disorder. Also called: GAN-related condition.

Allele frequency attached by ClinVar (database versions not stated): gnomAD exomes 0.00014; ExAC 0.00016; gnomAD 0.00040 and 0.00044; TOPMed 0.00041; ESP Exome Variant Server 0.00062.
gnomAD v4.1: 170 of 1,612,878 alleles (0.011%); highest among the groups gnomAD compares: African/African-American, 0.14%; no homozygotes.

Submissions (7):

Mayo Clinic Laboratories, Mayo Clinic
Classification: Likely benign. Last evaluated: 2025-10-12. Review status: criteria provided, single submitter. Criteria: ACMG Guidelines, 2015. Collection method: clinical testing. Allele origin: germline. Observed: 1 variant allele.
Comment: BS1, BP4, BP7

Women's Health and Genetics/Laboratory Corporation of America, LabCorp
Classification: Benign. Last evaluated: 2025-03-10. Review status: criteria provided, single submitter. Criteria: LabCorp Variant Classification Summary - May 2015. Collection method: clinical testing. Allele origin: germline.
Comment: Variant summary: GAN c.973+6G>A alters a non-conserved nucleotide located close to a canonical splice site and therefore could affect mRNA splicing, leading to a significantly altered protein sequence. Consensus agreement among computation tools predict no significant impact on normal splicing. However, these predictions have yet to be confirmed by functional studies. The variant allele was found at a frequency of 0.00014 in 251466 control chromosomes, predominantly at a frequency of 0.0015 within the African or African-American subpopulation in the gnomAD database. The observed variant frequency within African or African-American control individuals in the gnomAD database is approximately 1.34 fold of the estimated maximal expected allele frequency for a pathogenic variant in GAN causing Giant axonal neuropathy 1 phenotype (0.0011). To our knowledge, no occurrence of c.973+6G>A in individuals affected with Giant axonal neuropathy 1 and no experimental evidence demonstrating its impact on protein function have been reported. ClinVar contains an entry for this variant (Variation ID: 662377). Based on the evidence outlined above, the variant was classified as benign.

Labcorp Genetics (formerly Invitae), Labcorp
Classification: Uncertain significance for Giant axonal neuropathy 1. Last evaluated: 2024-10-15. Review status: criteria provided, single submitter. Criteria: Invitae Variant Classification Sherloc (09022015). Collection method: clinical testing. Allele origin: germline.
Comment: This sequence change falls in intron 5 of the GAN gene. It does not directly change the encoded amino acid sequence of the GAN protein. It affects a nucleotide within the consensus splice site. This variant is present in population databases (rs372665411, gnomAD 0.1%). This variant has not been reported in the literature in individuals affected with GAN-related conditions. ClinVar contains an entry for this variant (Variation ID: 662377). Variants that disrupt the consensus splice site are a relatively common cause of aberrant splicing (PMID: 17576681, 9536098). Algorithms developed to predict the effect of sequence changes on RNA splicing suggest that this variant is not likely to affect RNA splicing. In summary, the available evidence is currently insufficient to determine the role of this variant in disease. Therefore, it has been classified as a Variant of Uncertain Significance.

Ambry Genetics
Classification: Uncertain significance for Inborn genetic diseases. Last evaluated: 2023-07-31. Review status: criteria provided, single submitter. Criteria: Ambry Variant Classification Scheme 2023. Collection method: clinical testing. Allele origin: germline.
Comment: The c.973+6G>A intronic alteration consists of a G to A substitution nucleotides after coding exon 5 in the GAN gene. Based on insufficient or conflicting evidence, the clinical significance of this alteration remains unclear.

GeneDx
Classification: Likely benign. Last evaluated: 2020-11-13. Review status: criteria provided, single submitter. Criteria: GeneDx Variant Classification Process June 2021. Collection method: clinical testing. Allele origin: germline. Affected: yes.

Illumina Laboratory Services, Illumina
Classification: Uncertain significance for Giant axonal neuropathy 1. Last evaluated: 2018-01-13. Review status: criteria provided, single submitter. Criteria: ICSL Variant Classification Criteria 13 December 2019. Collection method: clinical testing. Allele origin: germline.

PreventionGenetics, part of Exact Sciences
Classification: Likely benign for GAN-related condition. Last evaluated: 2021-05-13. Review status: no assertion criteria provided. Collection method: clinical testing. Allele origin: germline. Not counted in ClinVar's aggregate classification.
Comment: This variant is classified as likely benign based on ACMG/AMP sequence variant interpretation guidelines (Richards et al. 2015 PMID: 25741868, with internal and published modifications).

Literature cited by the submitters: PubMed 17576681 (cited by Labcorp Genetics (formerly Invitae), Labcorp); PubMed 9536098 (cited by Labcorp Genetics (formerly Invitae), Labcorp).

NM_022041.4(GAN):c.973+6G>A

Gene: GAN (gigaxonin; plus strand). Cytogenetic location: 16q23.2.
Variant type: single nucleotide variant.
Coding change: c.973+6G>A on transcript NM_022041.4 (MANE Select); 6 bases into the intron after coding-DNA position 973, G replaced by A.
Molecular consequence: intron variant.
Genome position (GRCh38, 1-based): chr16:81,357,937, G>A. VCF-style: chr16-81357937-G-A. GRCh37 (hg19) VCF-style: chr16-81391542-G-A.
Other names: p.?; c.334+6G>A (NM_001377486.1).
Identifiers: ClinVar variation 662377 (VCV000662377.20), dbSNP rs372665411, ClinGen allele CA8191550.
Genomic context (GRCh38, chr16:81,357,937, plus strand): 5'-ATCGAACTGGCCCCTTTAAGCATGCCGAGAATTAACCATGGAGTTCTCTCAGCAGGTACC[G>A]TTCTGTGGCAAATTTTCCTTAAACAGCAGATCAAGTAATGTGTAATCTCAAGGTTTTACA-3'